The following is an entry in ClinVar:

ClinVar aggregate classification (germline): Likely benign (1 of 4 stars; one submission).

gnomAD v4.1: 318 of 1,612,596 alleles (0.02%); highest among the groups gnomAD compares: Admixed American, 0.038%; no homozygotes.

Submission:

CeGaT Center for Human Genetics Tuebingen
Classification: Likely benign. Last evaluated: 2024-10-01. Review status: criteria provided, single submitter. Criteria: CeGaT Center For Human Genetics Tuebingen Variant Classification Criteria Version 2. Collection method: clinical testing. Allele origin: germline. Affected: yes. Observed: 1 variant allele.
Comment: CHD5: BP4, BP7

NM_015557.3(CHD5):c.3225C>T (p.Thr1075=)

Gene: CHD5 (chromodomain helicase DNA binding protein 5; minus strand). Cytogenetic location: 1p36.31.
Variant type: single nucleotide variant.
Coding change: c.3225C>T on transcript NM_015557.3 (MANE Select); coding-DNA position 3225, C replaced by T.
Protein change: p.Thr1075=; no amino-acid change (threonine 1075 retained).
Molecular consequence: synonymous variant.
Genome position (GRCh38, 1-based): chr1:6,131,668, G>A on the plus strand (C>T on the coding strand, the complement: CHD5 is on the minus strand). VCF-style: chr1-6131668-G-A. GRCh37 (hg19) VCF-style: chr1-6191728-G-A.
Identifiers: ClinVar variation 3388250 (VCV003388250.14).